The following is an entry in ClinVar:

NM_000329.3(RPE65):c.943_950del (p.Ile315fs)

Gene: RPE65 (retinoid isomerohydrolase RPE65; minus strand). Cytogenetic location: 1p31.3.
Variant type: Deletion.
Coding change: c.943_950del on transcript NM_000329.3 (MANE Select); coding-DNA positions 943 to 950, 8 bases deleted (ATCAACAC; older notation c.943_950delATCAACAC).
Protein change: p.Ile315fs; shifts the reading frame from isoleucine 315.
Molecular consequence: frameshift variant.
Genome position (GRCh38, 1-based): chr1:68,438,990-68,438,997, GTGTTGAT deleted on the plus strand (ATCAACAC on the coding strand, the reverse complement: RPE65 is on the minus strand); deleting any 8 consecutive bases within chr1:68,438,990-68,439,000 gives the same sequence; the c. name uses the placement nearest the transcript's 3' end. VCF-style (leftmost placement, unchanged base first): chr1-68438989-GGTGTTGAT-G. GRCh37 (hg19) VCF-style: chr1-68904672-GGTGTTGAT-G.
Other names: short protein forms I315fs.
Identifiers: ClinVar variation 1069087 (VCV001069087.7), dbSNP rs2100818444, ClinGen allele CA2499214841.
Genomic context (GRCh38, chr1:68,438,989, plus strand): 5'-TGTCCTTTCTTACCCTTTCCAGCAGCAGAGATCCACAATCAGAAACCCATTGTCTTCATA[GGTGTTGAT>G]GTGATGGAAGAGGTTGAAAGGAGAAGTTCTGTATTTATTATTGAGGTACTTTTTCCTTTT-3'

ClinVar aggregate classification (germline): Pathogenic (1 of 4 stars; one submission).

Conditions:
Retinitis pigmentosa 20 (RP20). Identifiers: Orphanet 791, MedGen C3151086, MONDO:0013425, OMIM 613794.
Leber congenital amaurosis 2 (LCA2). Also called: Autosomal Recessive RPE65-Related Retinal Degeneration; AMAUROSIS CONGENITA OF LEBER II. Identifiers: Orphanet 65, MedGen C1859844, MONDO:0008765, OMIM 204100. Disease mechanism: loss of function.

Submission:

Labcorp Genetics (formerly Invitae), Labcorp
Classification: Pathogenic for Leber congenital amaurosis 2; Retinitis pigmentosa 20. Last evaluated: 2020-01-30. Review status: criteria provided, single submitter. Criteria: Invitae Variant Classification Sherloc (09022015). Collection method: clinical testing. Allele origin: germline.
Comment: This sequence change creates a premature translational stop signal (p.Ile315Leufs*2) in the RPE65 gene. It is expected to result in an absent or disrupted protein product. For these reasons, this variant has been classified as Pathogenic. Loss-of-function variants in RPE65 are known to be pathogenic (PMID: 9326941, 9501220, 18632300). This variant has not been reported in the literature in individuals with RPE65-related conditions. This variant is not present in population databases (ExAC no frequency).

Literature cited by the submitters: PubMed 9326941; PubMed 9501220; PubMed 18632300.